The following is an entry in ClinVar:

NM_001734.5(C1S):c.376T>C (p.Tyr126His)

Gene: C1S (complement C1s; plus strand). Cytogenetic location: 12p13.31.
Variant type: single nucleotide variant.
Coding change: c.376T>C on transcript NM_001734.5 (MANE Select); coding-DNA position 376, T replaced by C.
Protein change: p.Tyr126His; replaces tyrosine 126 with histidine.
Molecular consequence: missense variant. On other transcripts: 5 prime UTR variant (1).
Genome position (GRCh38, 1-based): chr12:7,063,052, T>C. VCF-style: chr12-7063052-T-C. GRCh37 (hg19) VCF-style: chr12-7170356-T-C.
Other names: c.-126T>C (NM_001346850.2); c.376T>C, p.Tyr126His (NM_201442.4); short protein forms Y126H.
Identifiers: ClinVar variation 4740677 (VCV004740677.1).
Genomic context (GRCh38, chr12:7,063,052, plus strand): 5'-CTCCAGGTGATCTTTAAGTCAGACTTTTCCAATGAAGAGCGTTTTACGGGGTTTGCTGCA[T>C]ACTATGTTGCCACAGGTAAGGCTCACCCTTCTGCATGTGCCTTATTGACCCAGCTAAAAG-3'
Protein context (NP_001725.1, residues 116-136): NEERFTGFAA[Tyr126His]YVATDINECT

ClinVar aggregate classification (germline): Uncertain significance (1 of 4 stars; one submission).

Submission:

Labcorp Genetics (formerly Invitae), Labcorp
Classification: Uncertain significance. Last evaluated: 2025-06-09. Review status: criteria provided, single submitter. Criteria: Invitae Variant Classification Sherloc (09022015). Collection method: clinical testing. Allele origin: germline.
Comment: This sequence change replaces tyrosine, which is neutral and polar, with histidine, which is basic and polar, at codon 126 of the C1S protein (p.Tyr126His). This variant is not present in population databases (gnomAD no frequency). This variant has not been reported in the literature in individuals affected with C1S-related conditions. Invitae Evidence Modeling of protein sequence and biophysical properties (such as structural, functional, and spatial information, amino acid conservation, physicochemical variation, residue mobility, and thermodynamic stability) indicates that this missense variant is not expected to disrupt C1S protein function with a negative predictive value of 80%. In summary, the available evidence is currently insufficient to determine the role of this variant in disease. Therefore, it has been classified as a Variant of Uncertain Significance.